The following is an entry in ClinVar:

NM_138773.4(SLC25A46):c.470G>C (p.Arg157Thr)

Gene: SLC25A46 (solute carrier family 25 member 46; plus strand). Cytogenetic location: 5q22.1.
Variant type: single nucleotide variant.
Coding change: c.470G>C on transcript NM_138773.4 (MANE Select); coding-DNA position 470, G replaced by C.
Protein change: p.Arg157Thr; replaces arginine 157 with threonine.
Molecular consequence: missense variant. On other transcripts: non-coding transcript variant (1).
Genome position (GRCh38, 1-based): chr5:110,748,170, G>C. VCF-style: chr5-110748170-G-C. GRCh37 (hg19) VCF-style: chr5-110083871-G-C.
Other names: c.470G>C, p.Arg157Thr (NM_001303249.3); c.197G>C, p.Arg66Thr (NM_001303250.3); short protein forms R157T, R66T.
Identifiers: ClinVar variation 2147911 (VCV002147911.4), dbSNP rs374690017, ClinGen allele CA3364613.

ClinVar aggregate classification (germline): Uncertain significance (1 of 4 stars; one submission).

Conditions:
Neuropathy, hereditary motor and sensory, type 6B (HMSN6B). Also called: NEUROPATHY, HEREDITARY MOTOR AND SENSORY, TYPE VIB, WITH OPTIC ATROPHY; Neuropathy, hereditary motor and sensory, type VIB; HMSN VIB; CHARCOT-MARIE-TOOTH DISEASE, TYPE 6B. Identifiers: MedGen C4225302, MONDO:0014671, OMIM 616505.

Allele frequency attached by ClinVar (database versions not stated): gnomAD exomes below 0.00001; TOPMed below 0.00001; ExAC 0.00001; gnomAD 0.00001; ESP Exome Variant Server 0.00008.
gnomAD v4.1: 5 of 1,612,576 alleles (0.00031%); highest among the groups gnomAD compares: Non-Finnish European, 0.00042%; no homozygotes.

Submission:

Labcorp Genetics (formerly Invitae), Labcorp
Classification: Uncertain significance for Neuropathy, hereditary motor and sensory, type 6B. Last evaluated: 2022-06-10. Review status: criteria provided, single submitter. Criteria: Invitae Variant Classification Sherloc (09022015). Collection method: clinical testing. Allele origin: germline.
Comment: In summary, the available evidence is currently insufficient to determine the role of this variant in disease. Therefore, it has been classified as a Variant of Uncertain Significance. Algorithms developed to predict the effect of missense changes on protein structure and function (SIFT, PolyPhen-2, Align-GVGD) all suggest that this variant is likely to be tolerated. This variant has not been reported in the literature in individuals affected with SLC25A46-related conditions. This variant is not present in population databases (gnomAD no frequency). This sequence change replaces arginine, which is basic and polar, with threonine, which is neutral and polar, at codon 157 of the SLC25A46 protein (p.Arg157Thr).